The following is an entry in ClinVar:

ClinVar aggregate classification (germline): Uncertain significance. Review status: criteria provided, multiple submitters, no conflicts (2 of 4 stars). 2 submissions from 2 submitters: Uncertain significance (2). Last evaluated 2025-03-10.

gnomAD v4.1: 16 of 1,610,478 alleles (0.00099%); highest among the groups gnomAD compares: South Asian, 0.018%; no homozygotes.

Submissions (2):

Labcorp Genetics (formerly Invitae), Labcorp
Classification: Uncertain significance. Last evaluated: 2025-03-10. Review status: criteria provided, single submitter. Criteria: Invitae Variant Classification Sherloc (09022015). Collection method: clinical testing. Allele origin: germline.
Comment: This sequence change replaces aspartic acid, which is acidic and polar, with asparagine, which is neutral and polar, at codon 219 of the XYLT2 protein (p.Asp219Asn). This variant is present in population databases (rs779732817, gnomAD 0.03%). This variant has not been reported in the literature in individuals affected with XYLT2-related conditions. Invitae Evidence Modeling of protein sequence and biophysical properties (such as structural, functional, and spatial information, amino acid conservation, physicochemical variation, residue mobility, and thermodynamic stability) indicates that this missense variant is not expected to disrupt XYLT2 protein function with a negative predictive value of 80%. In summary, the available evidence is currently insufficient to determine the role of this variant in disease. Therefore, it has been classified as a Variant of Uncertain Significance.

Blueprint Genetics
Classification: Uncertain significance. Last evaluated: 2024-09-20. Review status: criteria provided, single submitter. Criteria: ACMG Guidelines, 2015. Collection method: clinical testing. Allele origin: germline.

NM_022167.4(XYLT2):c.655G>A (p.Asp219Asn)

Gene: XYLT2 (xylosyltransferase 2; plus strand). Cytogenetic location: 17q21.33.
Variant type: single nucleotide variant.
Coding change: c.655G>A on transcript NM_022167.4 (MANE Select); coding-DNA position 655, G replaced by A.
Protein change: p.Asp219Asn; replaces aspartic acid 219 with asparagine.
Molecular consequence: missense variant.
Genome position (GRCh38, 1-based): chr17:50,354,434, G>A. VCF-style: chr17-50354434-G-A. GRCh37 (hg19) VCF-style: chr17-48431795-G-A.
Other names: short protein forms D219N.
Identifiers: ClinVar variation 3687333 (VCV003687333.3).